The following is an entry in ClinVar:

NM_006922.4(SCN3A):c.1315G>A (p.Glu439Lys)

Gene: SCN3A (sodium voltage-gated channel alpha subunit 3; minus strand). Cytogenetic location: 2q24.3.
Variant type: single nucleotide variant.
Coding change: c.1315G>A on transcript NM_006922.4 (MANE Select); coding-DNA position 1315, G replaced by A.
Protein change: p.Glu439Lys; replaces glutamic acid 439 with lysine.
Molecular consequence: missense variant.
Genome position (GRCh38, 1-based): chr2:165,154,517, C>T on the plus strand (G>A on the coding strand, the complement: SCN3A is on the minus strand). VCF-style: chr2-165154517-C-T. GRCh37 (hg19) VCF-style: chr2-166011027-C-T.
Other names: c.1315G>A, p.Glu439Lys (NM_001081676.2, NM_001081677.2); short protein forms E439K.
Identifiers: ClinVar variation 650457 (VCV000650457.8), dbSNP rs1553535078, ClinGen allele CA349238019.

ClinVar aggregate classification (germline): Uncertain significance (1 of 4 stars; one submission).

Submission:

Labcorp Genetics (formerly Invitae), Labcorp
Classification: Uncertain significance. Last evaluated: 2025-01-17. Review status: criteria provided, single submitter. Criteria: Invitae Variant Classification Sherloc (09022015). Collection method: clinical testing. Allele origin: germline.
Comment: This sequence change replaces glutamic acid, which is acidic and polar, with lysine, which is basic and polar, at codon 439 of the SCN3A protein (p.Glu439Lys). This variant is not present in population databases (gnomAD no frequency). This variant has not been reported in the literature in individuals affected with SCN3A-related conditions. ClinVar contains an entry for this variant (Variation ID: 650457). Invitae Evidence Modeling of protein sequence and biophysical properties (such as structural, functional, and spatial information, amino acid conservation, physicochemical variation, residue mobility, and thermodynamic stability) indicates that this missense variant is not expected to disrupt SCN3A protein function with a negative predictive value of 95%. In summary, the available evidence is currently insufficient to determine the role of this variant in disease. Therefore, it has been classified as a Variant of Uncertain Significance.